The following is an entry in ClinVar:

ClinVar aggregate classification (germline): Uncertain significance (1 of 4 stars; one submission).

Submission:

GeneDx
Classification: Uncertain significance. Last evaluated: 2024-11-22. Review status: criteria provided, single submitter. Criteria: GeneDx Variant Classification Process June 2021. Collection method: clinical testing. Allele origin: germline. Affected: yes.
Comment: Not observed at significant frequency in large population cohorts (gnomAD); In silico analysis indicates that this missense variant does not alter protein structure/function; Has not been previously published as pathogenic or benign to our knowledge

NM_001042750.2(STAG2):c.2171A>G (p.Asp724Gly)

Gene: STAG2 (STAG2 cohesin complex component; plus strand). Cytogenetic location: Xq25.
Variant type: single nucleotide variant.
Coding change: c.2171A>G on transcript NM_001042750.2 (MANE Select); coding-DNA position 2171, A replaced by G.
Protein change: p.Asp724Gly; replaces aspartic acid 724 with glycine.
Molecular consequence: missense variant.
Genome position (GRCh38, 1-based): chrX:124,066,249, A>G. VCF-style: chrX-124066249-A-G. GRCh37 (hg19) VCF-style: chrX-123200099-A-G.
Other names: c.2171A>G, p.Asp724Gly (NM_001042749.2, NM_001042751.2, NM_001282418.2 and 13 more transcripts); short protein forms D724G.
Identifiers: ClinVar variation 3900596 (VCV003900596.1).